The following is an entry in ClinVar:

NM_001364905.1(LRBA):c.25C>T (p.Pro9Ser)

Gene: LRBA (LPS responsive beige-like anchor protein; minus strand). Cytogenetic location: 4q31.3.
Variant type: single nucleotide variant.
Coding change: c.25C>T on transcript NM_001364905.1 (MANE Select); coding-DNA position 25, C replaced by T.
Protein change: p.Pro9Ser; replaces proline 9 with serine.
Molecular consequence: missense variant.
Genome position (GRCh38, 1-based): chr4:151,014,618, G>A on the plus strand (C>T on the coding strand, the complement: LRBA is on the minus strand). VCF-style: chr4-151014618-G-A. GRCh37 (hg19) VCF-style: chr4-151935770-G-A.
Other names: c.25C>T, p.Pro9Ser (NM_001199282.3, NM_001367550.1, NM_006726.5); short protein forms P9S.
Identifiers: ClinVar variation 938675 (VCV000938675.3), dbSNP rs1465852898, ClinGen allele CA358611217.
Genomic context (GRCh38, chr4:151,014,618, plus strand): 5'-CAGTAGGGGTTTCTTCTCTCCCTCCACCTCCCCCGTCATCACCTGTTGGTGGCGGGGAAG[G>A]GACACGATTGTCTTCGCTAGCCATTGCTAGCTCACGATAAAGGACAACTCAGAGTCACCC-3'
Protein context (NP_001351834.1, residues 1-19): MASEDNRV[Pro9Ser]SPPPTGDDGG

ClinVar aggregate classification (germline): Uncertain significance (1 of 4 stars; one submission).

Conditions:
Combined immunodeficiency due to LRBA deficiency. Also called: Common variable immunodeficiency 8, with autoimmunity. Identifiers: Orphanet 445018, MedGen C3553512, MONDO:0013863, OMIM 614700.

Allele frequency attached by ClinVar (database versions not stated): gnomAD exomes 0.00001; TOPMed 0.00001.
gnomAD v4.1: 20 of 1,605,654 alleles (0.0012%); highest among the groups gnomAD compares: Non-Finnish European, 0.0016%; no homozygotes.

Submission:

Labcorp Genetics (formerly Invitae), Labcorp
Classification: Uncertain significance for Combined immunodeficiency due to LRBA deficiency. Last evaluated: 2021-08-24. Review status: criteria provided, single submitter. Criteria: Invitae Variant Classification Sherloc (09022015). Collection method: clinical testing. Allele origin: germline.
Comment: This sequence change replaces proline with serine at codon 9 of the LRBA protein (p.Pro9Ser). The proline residue is weakly conserved and there is a moderate physicochemical difference between proline and serine. This variant is not present in population databases (ExAC no frequency). This variant has not been reported in the literature in individuals affected with LRBA-related conditions. Algorithms developed to predict the effect of missense changes on protein structure and function are either unavailable or do not agree on the potential impact of this missense change (SIFT: "Tolerated"; PolyPhen-2: "Possibly Damaging"; Align-GVGD: "Class C0"). In summary, the available evidence is currently insufficient to determine the role of this variant in disease. Therefore, it has been classified as a Variant of Uncertain Significance.